The following is an entry in ClinVar:

ClinVar aggregate classification (germline): Uncertain significance. Review status: criteria provided, multiple submitters, no conflicts (2 of 4 stars). 2 submissions from 2 submitters: Uncertain significance (2). Last evaluated 2022-05-16.

Conditions:
Gorlin syndrome. Also called: Basal cell nevus syndrome; Nevoid Basal Cell Carcinoma Syndrome. Identifiers: Orphanet 377, MedGen C0004779, MONDO:0007187.
Medulloblastoma (MDB). Also called: Medulloblastoma, somatic; MEDULLOBLASTOMA PREDISPOSITION SYNDROME. Identifiers: Orphanet 616, MedGen C0025149, MeSH D008527, MONDO:0007959, OMIM 155255, HP:0002885.
Hereditary cancer-predisposing syndrome. Also called: Hereditary Cancer Syndrome; Hereditary neoplastic syndrome; Tumor predisposition; Neoplastic Syndromes, Hereditary. Identifiers: Orphanet 140162, MedGen C0027672, MeSH D009386, MONDO:0015356.

Allele frequency attached by ClinVar (database versions not stated): gnomAD exomes below 0.00001; TOPMed below 0.00001; ExAC 0.00001; gnomAD 0.00001.
gnomAD v4.1: 3 of 1,614,134 alleles (0.00019%); highest among the groups gnomAD compares: Non-Finnish European, 0.00025%; no homozygotes.

Submissions (2):

Ambry Genetics
Classification: Uncertain significance for Hereditary cancer-predisposing syndrome. Last evaluated: 2022-05-16. Review status: criteria provided, single submitter. Criteria: Ambry Variant Classification Scheme 2023. Collection method: clinical testing. Allele origin: germline.
Comment: The p.M443I variant (also known as c.1329G>A), located in coding exon 11 of the SUFU gene, results from a G to A substitution at nucleotide position 1329. The methionine at codon 443 is replaced by isoleucine, an amino acid with highly similar properties. This amino acid position is conserved. In addition, the in silico prediction for this alteration is inconclusive. Since supporting evidence is limited at this time, the clinical significance of this alteration remains unclear.

Labcorp Genetics (formerly Invitae), Labcorp
Classification: Uncertain significance for Gorlin syndrome; Medulloblastoma. Last evaluated: 2021-03-26. Review status: criteria provided, single submitter. Criteria: Invitae Variant Classification Sherloc (09022015). Collection method: clinical testing. Allele origin: germline.
Comment: This sequence change replaces methionine with isoleucine at codon 443 of the SUFU protein (p.Met443Ile). The methionine residue is highly conserved and there is a small physicochemical difference between methionine and isoleucine. This variant is present in population databases (rs773805575, ExAC 0.001%) but has not been reported in the literature in individuals with a SUFU-related disease. Algorithms developed to predict the effect of missense changes on protein structure and function (SIFT, PolyPhen-2, Align-GVGD) all suggest that this variant is likely to be tolerated, but these predictions have not been confirmed by published functional studies. In summary, this variant is a rare missense change that is not predicted to affect protein function. There is no indication that it causes disease, but the available evidence is currently insufficient to prove that conclusively. Therefore, it has been classified as a Variant of Uncertain Significance.

NM_016169.4(SUFU):c.1329G>A (p.Met443Ile)

Gene: SUFU (SUFU negative regulator of hedgehog signaling; plus strand). Cytogenetic location: 10q24.32.
Variant type: single nucleotide variant.
Coding change: c.1329G>A on transcript NM_016169.4 (MANE Select); coding-DNA position 1329, G replaced by A.
Protein change: p.Met443Ile; replaces methionine 443 with isoleucine.
Molecular consequence: missense variant.
Genome position (GRCh38, 1-based): chr10:102,627,207, G>A. VCF-style: chr10-102627207-G-A. GRCh37 (hg19) VCF-style: chr10-104386964-G-A.
Other names: short protein forms M443I.
Identifiers: ClinVar variation 453959 (VCV000453959.11), dbSNP rs773805575, ClinGen allele CA5667983.